The following is an entry in ClinVar:

NM_017951.5(SMPD4):c.2103C>G (p.Ile701Met)

Gene: SMPD4 (sphingomyelin phosphodiesterase 4; minus strand). Cytogenetic location: 2q21.1.
Variant type: single nucleotide variant.
Coding change: c.2103C>G on transcript NM_017951.5 (MANE Select); coding-DNA position 2103, C replaced by G.
Protein change: p.Ile701Met; replaces isoleucine 701 with methionine.
Molecular consequence: missense variant. On other transcripts: non-coding transcript variant (2).
Genome position (GRCh38, 1-based): chr2:130,153,094, G>C on the plus strand (C>G on the coding strand, the complement: SMPD4 is on the minus strand). VCF-style: chr2-130153094-G-C. GRCh37 (hg19) VCF-style: chr2-130910667-G-C.
Other names: c.1914C>G, p.Ile638Met (NM_001171083.2); c.2133C>G, p.Ile711Met (NM_017751.4); short protein forms I638M, I711M, I701M.
Identifiers: ClinVar variation 4631750 (VCV004631750.1).

ClinVar aggregate classification (germline): Uncertain significance (1 of 4 stars; one submission).

Conditions:
Inborn genetic diseases. Identifiers: MedGen C0950123, MeSH D030342.

gnomAD v4.1: 1 of 1,613,422 alleles (0.000062%); highest among the groups gnomAD compares: African/African-American, 0.0013%; no homozygotes.

Submission:

Ambry Genetics
Classification: Uncertain significance for Inborn genetic diseases. Last evaluated: 2025-10-22. Review status: criteria provided, single submitter. Criteria: Ambry Variant Classification Scheme 2023. Collection method: clinical testing. Allele origin: germline.
Comment: The c.2220C>G (p.I740M) alteration is located in exon 19 (coding exon 19) of the SMPD4 gene. This alteration results from a C to G substitution at nucleotide position 2220, causing the isoleucine (I) at amino acid position 740 to be replaced by a methionine (M). Based on data from gnomAD, the G allele has an overall frequency of 0.003% (1/31380) total alleles studied. The highest observed frequency was 0.012% (1/8704) of African alleles. Based on insufficient or conflicting evidence, the clinical significance of this alteration remains unclear.